The following is an entry in ClinVar:

NM_015443.4(KANSL1):c.723A>G (p.Ala241=)

Gene: KANSL1 (KAT8 regulatory NSL complex subunit 1). Cytogenetic location: 17q21.31.
Variant type: single nucleotide variant.
Coding change: c.723A>G on transcript NM_015443.4 (MANE Select); coding-DNA position 723, A replaced by G.
Protein change: p.Ala241=; no amino-acid change (alanine 241 retained).
Molecular consequence: synonymous variant.
Genome position (GRCh38, 1-based): chr17:46,171,421, T>C on the plus strand (A>G on the coding strand, the complement: KANSL1 is on the minus strand). VCF-style: chr17-46171421-T-C. GRCh37 (hg19) VCF-style: chr17-44248787-T-C.
Other names: c.723A>G, p.Ala241= (NM_001193465.2, NM_001193466.2, NM_001379198.1).
Identifiers: ClinVar variation 509285 (VCV000509285.9), dbSNP rs375054119, ClinGen allele CA8618979.
Genomic context (GRCh38, chr17:46,171,421, plus strand): 5'-GACACCCCCCAAGTTAGAGCTGGAGTCTGTACCAGGTGATAATCTACTGCTTCCTTGAAG[T>C]GCCGGCTGTTCCATGGAATTGACAGAGGATTTGTTTGCAGTGCTATTATTGCTATACAAA-3'
Protein context (NP_056258.1, residues 231-251): KSSVNSMEQP[Ala241=]LQGSSRLSPG

ClinVar aggregate classification (germline): Likely benign. Review status: criteria provided, multiple submitters, no conflicts (2 of 4 stars). 2 submissions from 2 submitters: Likely benign (2). Last evaluated 2022-02-04.

Conditions:
Koolen-de Vries syndrome (KDVS). Identifiers: Orphanet 96169, MedGen C1864871, MONDO:0012496, OMIM 610443.

Allele frequency attached by ClinVar (database versions not stated): gnomAD exomes below 0.00001 and 0.00001; ExAC 0.00001; gnomAD 0.00001; TOPMed 0.00001; ESP Exome Variant Server 0.00008.
gnomAD v4.1: 11 of 1,613,984 alleles (0.00068%); highest among the groups gnomAD compares: Non-Finnish European, 0.00093%; no homozygotes.

Submissions (2):

Labcorp Genetics (formerly Invitae), Labcorp
Classification: Likely benign for Koolen-de Vries syndrome. Last evaluated: 2022-02-04. Review status: criteria provided, single submitter. Criteria: Invitae Variant Classification Sherloc (09022015). Collection method: clinical testing. Allele origin: germline.

GeneDx
Classification: Likely benign. Last evaluated: 2017-05-03. Review status: criteria provided, single submitter. Criteria: GeneDx Variant Classification (06012015). Collection method: clinical testing. Allele origin: germline. Affected: yes.
Comment: This variant is considered likely benign or benign based on one or more of the following criteria: it is a conservative change, it occurs at a poorly conserved position in the protein, it is predicted to be benign by multiple in silico algorithms, and/or has population frequency not consistent with disease.